The following is an entry in ClinVar:

ClinVar aggregate classification (germline): Uncertain significance (1 of 4 stars; one submission).

Conditions:
Hereditary cancer-predisposing syndrome. Also called: Neoplastic Syndromes, Hereditary; Tumor predisposition; Hereditary Cancer Syndrome; Hereditary neoplastic syndrome. Identifiers: Orphanet 140162, MedGen C0027672, MeSH D009386, MONDO:0015356.

Submission:

Ambry Genetics
Classification: Uncertain significance for Hereditary cancer-predisposing syndrome. Last evaluated: 2021-08-11. Review status: criteria provided, single submitter. Criteria: Ambry Variant Classification Scheme 2023. Collection method: clinical testing. Allele origin: germline.
Comment: The p.M597K variant (also known as c.1790T>A), located in coding exon 5 of the PALB2 gene, results from a T to A substitution at nucleotide position 1790. The methionine at codon 597 is replaced by lysine, an amino acid with similar properties. This amino acid position is conserved. In addition, this alteration is predicted to be tolerated by in silico analysis. Since supporting evidence is limited at this time, the clinical significance of this alteration remains unclear.

NM_024675.4(PALB2):c.1790T>A (p.Met597Lys)

Gene: PALB2 (partner and localizer of BRCA2; minus strand). Cytogenetic location: 16p12.2.
Variant type: single nucleotide variant.
Coding change: c.1790T>A on transcript NM_024675.4 (MANE Select); coding-DNA position 1790, T replaced by A.
Protein change: p.Met597Lys; replaces methionine 597 with lysine.
Molecular consequence: missense variant.
Genome position (GRCh38, 1-based): chr16:23,630,364, A>T on the plus strand (T>A on the coding strand, the complement: PALB2 is on the minus strand). VCF-style: chr16-23630364-A-T. GRCh37 (hg19) VCF-style: chr16-23641685-A-T.
Other names: c.1730T>A, p.Met577Lys (NM_001407296.1); c.1790T>A, p.Met597Lys (NM_001407297.1, NM_001407298.1, NM_001407299.1 and 3 more transcripts); c.905T>A, p.Met302Lys (NM_001407304.1, NM_001407305.1, NM_001407306.1 and 5 more transcripts); c.2T>A, p.Met1Lys (NM_001407312.1, NM_001407313.1); short protein forms M1K, M577K, M302K, M597K.
Identifiers: ClinVar variation 1780187 (VCV001780187.2), dbSNP rs786203214, ClinGen allele CA395128098.